The following is an entry in ClinVar:

ClinVar aggregate classification (germline): Conflicting classifications of pathogenicity. Review status: criteria provided, conflicting classifications (1 of 4 stars). 2 submissions from 2 submitters: Likely pathogenic (1); Uncertain significance (1). Last evaluated 2025-08-14.

Conditions:
Gaucher disease. Also called: Acute cerebral Gaucher disease; Cerebroside lipidosis syndrome; Gaucher splenomegaly; Sphingolipidosis 1; Glucocerebrosidosis; Glucosylceramidase deficiency. Identifiers: Orphanet 355, MedGen C0017205, MONDO:0018150.

Submissions (2):

Natera, Inc.
Classification: Likely pathogenic for Gaucher disease. Last evaluated: 2025-08-14. Review status: criteria provided, single submitter. Criteria: Natera Variant Classification Schema (03/2026). Collection method: clinical testing. Allele origin: germline.
Comment: The c.1207A>G variant in GBA1 is a missense variant predicted to cause substitution of serine to glycine at amino acid 403. This variant is rare in the general population with a frequency below the threshold expected for the associated phenotype(s). This variant has been observed in one or more individuals affected with the associated recessive disease, as either homozygous or compound heterozygous with a second variant (PMID: 34134921). A different variant at the same position has been determined to be Pathogenic or Likely Pathogenic. Computational prediction algorithms indicate this variant is likely to affect gene or protein function. Given the available evidence, this variant is classified as Likely Pathogenic.

Women's Health and Genetics/Laboratory Corporation of America, LabCorp
Classification: Uncertain significance. Last evaluated: 2025-04-16. Review status: criteria provided, single submitter. Criteria: LabCorp Variant Classification Summary - May 2015. Collection method: clinical testing. Allele origin: germline.
Comment: Variant summary: GBA1 c.1207A>G (p.Ser403Gly) results in a non-conservative amino acid change in the encoded protein sequence. Five of five in-silico tools predict a damaging effect of the variant on protein function. The variant was absent in 1613912 control chromosomes. The available data on variant occurrences in the general population are insufficient to allow any conclusion about variant significance. To our knowledge, no occurrence of c.1207A>G in individuals affected with Gaucher Disease and no experimental evidence demonstrating its impact on protein function have been reported. No submitters have cited clinical-significance assessments for this variant to ClinVar. Based on the evidence outlined above, the variant was classified as uncertain significance.

Literature cited by the submitters: PubMed 34134921 (cited by Natera, Inc.).

NM_000157.4(GBA1):c.1207A>G (p.Ser403Gly)

Genes: GBA1 (glucosylceramidase beta 1; minus strand), LOC106627981 (GBA recombination region; plus strand). Cytogenetic location: 1q22.
Variant type: single nucleotide variant.
Coding change: c.1207A>G on transcript NM_000157.4 (MANE Select); coding-DNA position 1207, A replaced by G.
Protein change: p.Ser403Gly; replaces serine 403 with glycine.
Molecular consequence: missense variant.
Genome position (GRCh38, 1-based): chr1:155,236,262, T>C on the plus strand (A>G on the coding strand, the complement: GBA1 is on the minus strand). VCF-style: chr1-155236262-T-C. GRCh37 (hg19) VCF-style: chr1-155206053-T-C.
Other names: c.1207A>G (NM_000157.3); c.1207A>G, p.Ser403Gly (NM_001005741.3, NM_001005742.3); c.946A>G, p.Ser316Gly (NM_001171811.2); c.1060A>G, p.Ser354Gly (NM_001171812.2); short protein forms S316G, S354G, S403G.
Identifiers: ClinVar variation 3896221 (VCV003896221.3).